The following is an entry in ClinVar:

ClinVar aggregate classification (germline): Uncertain significance. Review status: criteria provided, multiple submitters, no conflicts (2 of 4 stars). 2 submissions from 2 submitters: Uncertain significance (2). Last evaluated 2026-05-12.

Conditions:
IFT27-related disorder. Also called: IFT27-related condition.

Allele frequency attached by ClinVar (database versions not stated): ExAC 0.00001; gnomAD 0.00001; gnomAD exomes 0.00002 and 0.00004; TOPMed 0.00002.

Submissions (2):

PreventionGenetics, part of Exact Sciences
Classification: Uncertain significance for IFT27-related condition. Last evaluated: 2026-05-12. Review status: criteria provided, single submitter. Criteria: ACMG Guidelines, 2015. Collection method: clinical testing. Allele origin: germline.
Comment: The IFT27 c.462A>G variant is not predicted to result in an amino acid change (p.=). This variant is predicted to alter splicing based on available splicing prediction programs (SpliceAI, Jaganathan et al. 2019. PubMed ID: 30661751); however, the use of computer prediction programs is not equivalent to functional evidence. To our knowledge, this variant has not been reported in the literature. This variant is reported in 0.0026% of alleles in individuals of European (non-Finnish) descent in gnomAD. At this time, the clinical significance of this variant is uncertain due to the absence of conclusive functional and genetic evidence.

Labcorp Genetics (formerly Invitae), Labcorp
Classification: Uncertain significance. Last evaluated: 2022-07-06. Review status: criteria provided, single submitter. Criteria: Invitae Variant Classification Sherloc (09022015). Collection method: clinical testing. Allele origin: germline.
Comment: This sequence change affects codon 154 of the IFT27 mRNA. It is a 'silent' change, meaning that it does not change the encoded amino acid sequence of the IFT27 protein. This variant is present in population databases (rs779134370, gnomAD 0.003%). This variant has not been reported in the literature in individuals affected with IFT27-related conditions. ClinVar contains an entry for this variant (Variation ID: 962878). Algorithms developed to predict the effect of sequence changes on RNA splicing suggest that this variant may disrupt the consensus splice site. In summary, the available evidence is currently insufficient to determine the role of this variant in disease. Therefore, it has been classified as a Variant of Uncertain Significance.

NM_001177701.3(IFT27):c.465A>G (p.Lys155=)

Genes: CACNG2-DT (CACNG2 divergent transcript; plus strand), IFT27 (intraflagellar transport 27; minus strand). Cytogenetic location: 22q12.3.
Variant type: single nucleotide variant.
Coding change: c.465A>G on transcript NM_001177701.3 (MANE Select); coding-DNA position 465, A replaced by G.
Protein change: p.Lys155=; no amino-acid change (lysine 155 retained).
Molecular consequence: synonymous variant.
Genome position (GRCh38, 1-based): chr22:36,758,407, T>C on the plus strand (A>G on the coding strand, the complement: IFT27 is on the minus strand). VCF-style: chr22-36758407-T-C. GRCh37 (hg19) VCF-style: chr22-37154451-T-C.
Other names: c.465A>G, p.Lys155= (NM_001363003.2); c.462A>G, p.Lys154= (NM_006860.5).
Identifiers: ClinVar variation 962878 (VCV000962878.7), dbSNP rs779134370, ClinGen allele CA10212314.